The following is an entry in ClinVar:

ClinVar aggregate classification (germline): Uncertain significance (1 of 4 stars; one submission).

gnomAD v4.1: 14 of 1,614,148 alleles (0.00087%); highest among the groups gnomAD compares: Non-Finnish European, 0.0012%; no homozygotes.

Submission:

Labcorp Genetics (formerly Invitae), Labcorp
Classification: Uncertain significance. Last evaluated: 2022-05-27. Review status: criteria provided, single submitter. Criteria: Invitae Variant Classification Sherloc (09022015). Collection method: clinical testing. Allele origin: germline.
Comment: In summary, the available evidence is currently insufficient to determine the role of this variant in disease. Therefore, it has been classified as a Variant of Uncertain Significance. Algorithms developed to predict the effect of missense changes on protein structure and function output the following: SIFT: "Tolerated"; PolyPhen-2: "Benign"; Align-GVGD: "Class C0". The aspartic acid amino acid residue is found in multiple mammalian species, which suggests that this missense change does not adversely affect protein function. This variant has not been reported in the literature in individuals affected with RNF216-related conditions. This variant is present in population databases (rs776355060, gnomAD 0.002%). This sequence change replaces alanine, which is neutral and non-polar, with aspartic acid, which is acidic and polar, at codon 223 of the RNF216 protein (p.Ala223Asp).

NM_207111.4(RNF216):c.668C>A (p.Ala223Asp)

Gene: RNF216 (ring finger protein 216; minus strand). Cytogenetic location: 7p22.1.
Variant type: single nucleotide variant.
Coding change: c.668C>A on transcript NM_207111.4 (MANE Select); coding-DNA position 668, C replaced by A.
Protein change: p.Ala223Asp; replaces alanine 223 with aspartic acid.
Molecular consequence: missense variant.
Genome position (GRCh38, 1-based): chr7:5,741,349, G>T on the plus strand (C>A on the coding strand, the complement: RNF216 is on the minus strand). VCF-style: chr7-5741349-G-T. GRCh37 (hg19) VCF-style: chr7-5780980-G-T.
Other names: c.497C>A, p.Ala166Asp (NM_001377156.1, NM_207116.3); short protein forms A166D, A223D.
Identifiers: ClinVar variation 1938031 (VCV001938031.5), dbSNP rs776355060, ClinGen allele CA4148482.